The following is an entry in ClinVar:

ClinVar aggregate classification (germline): Likely benign. Review status: reviewed by expert panel (3 of 4 stars). 4 submissions from 4 submitters: Likely benign (1). 3 of the submissions do not count toward it. Last evaluated 2024-07-29.

Conditions:
Inborn genetic diseases. Identifiers: MedGen C0950123, MeSH D030342.
T-cell immunodeficiency, congenital alopecia, and nail dystrophy. Also called: Congenital alopecia and nail dystrophy associated with severe functional T-cell immunodeficiency; Pignata Guarino syndrome. Identifiers: Orphanet 169095, MedGen C1866426, MONDO:0011132, OMIM 601705.

Allele frequency attached by ClinVar (database versions not stated): gnomAD exomes 0.00010 and 0.00022; TOPMed 0.00012; ESP Exome Variant Server 0.00015; 1000 Genomes Project 30x 0.00016; ExAC 0.00016; gnomAD 0.00016 and 0.00017; 1000 Genomes Project 0.00020.

Submissions (4):

ClinGen Severe Combined Immunodeficiency Variant Curation Expert Panel, ClinGen
Classification: Likely benign for T-cell immunodeficiency, congenital alopecia, and nail dystrophy. Last evaluated: 2024-07-29. Review status: reviewed by expert panel. Criteria: ClinGen SCID ACMG Specifications FOXN1 V1.0.0. Collection method: curation. Allele origin: germline. Inheritance: Semidominant inheritance.
Comment: The missense variant NM_001369369.1(FOXN1):c.1886C>T (p.Thr629Met) has a gnomADv4.0.0 popmax filtering allele frequency of 0.0003313 based on the Admixed American population, which is below the BS1 threshold of >0.00141 but above the PM2 threshold of <0.0000447, however the gnomADv4.0.0 highest MAF is in the Ashkenazi Jewish population at 0.002602 (77/29596 alleles) which meets the BS1 threshold of >0.00141. The variant has a REVEL score of 0.209, which is less than 0.290 and thus meets criteria for BP4, suggesting no effect on gene function. After a comprehensive literature search, the variant has not been identified in any individuals with T-cell immunodeficiency, congenital alopecia, and nail dystrophy. In summary, this variant meets criteria to be classified as likely benign for semidominant T-cell immunodeficiency, congenital alopecia, and nail dystrophy based on the ACMG/AMP criteria applied, as specified by the ClinGen SCID VCEP: BS1, BP4.

Labcorp Genetics (formerly Invitae), Labcorp
Classification: Likely benign for T-cell immunodeficiency, congenital alopecia, and nail dystrophy. Last evaluated: 2026-01-03. Review status: criteria provided, single submitter. Criteria: Invitae Variant Classification Sherloc (09022015). Collection method: clinical testing. Allele origin: germline. Not counted in ClinVar's aggregate classification.

Ambry Genetics
Classification: Uncertain significance for Inborn genetic diseases. Last evaluated: 2023-02-16. Review status: criteria provided, single submitter. Criteria: Ambry Variant Classification Scheme 2023. Collection method: clinical testing. Allele origin: germline. Not counted in ClinVar's aggregate classification.

Illumina Laboratory Services, Illumina
Classification: Uncertain significance for T-cell immunodeficiency, congenital alopecia, and nail dystrophy. Last evaluated: 2018-01-13. Review status: criteria provided, single submitter. Criteria: ICSL Variant Classification Criteria 13 December 2019. Collection method: clinical testing. Allele origin: germline. Not counted in ClinVar's aggregate classification.

NM_001369369.1(FOXN1):c.1886C>T (p.Thr629Met)

Gene: FOXN1 (forkhead box N1; plus strand). Cytogenetic location: 17q11.2.
Variant type: single nucleotide variant.
Coding change: c.1886C>T on transcript NM_001369369.1 (MANE Select); coding-DNA position 1886, C replaced by T.
Protein change: p.Thr629Met; replaces threonine 629 with methionine.
Molecular consequence: missense variant.
Genome position (GRCh38, 1-based): chr17:28,537,375, C>T. VCF-style: chr17-28537375-C-T. GRCh37 (hg19) VCF-style: chr17-26864393-C-T.
Other names: NM_001369369.1(FOXN1):c.1886C>T; p.Thr629Met; c.1886C>T, p.Thr629Met (NM_003593.3); short protein forms T629M.
Identifiers: ClinVar variation 728480 (VCV000728480.16), dbSNP rs368962978, ClinGen allele CA8459655.